The following is an entry in ClinVar:

ClinVar aggregate classification (germline): Uncertain significance (1 of 4 stars; one submission).

Conditions:
Fanconi anemia (FA). Also called: Fanconi's anemia. Identifiers: Orphanet 84, MedGen C0015625, MeSH D005199, MONDO:0019391.

Allele frequency attached by ClinVar (database versions not stated): gnomAD exomes below 0.00001 and 0.00002; ExAC 0.00003; TOPMed 0.00003; gnomAD 0.00004; ESP Exome Variant Server 0.00015; 1000 Genomes Project 30x 0.00016; 1000 Genomes Project 0.00020.

Submission:

Labcorp Genetics (formerly Invitae), Labcorp
Classification: Uncertain significance for Fanconi anemia. Last evaluated: 2022-01-11. Review status: criteria provided, single submitter. Criteria: Invitae Variant Classification Sherloc (09022015). Collection method: clinical testing. Allele origin: germline.
Comment: This sequence change replaces arginine, which is basic and polar, with cysteine, which is neutral and slightly polar, at codon 266 of the FANCF protein (p.Arg266Cys). This variant is present in population databases (rs145666363, gnomAD 0.02%). This variant has not been reported in the literature in individuals affected with FANCF-related conditions. ClinVar contains an entry for this variant (Variation ID: 957563). Algorithms developed to predict the effect of missense changes on protein structure and function output the following: SIFT: "Tolerated"; PolyPhen-2: "Benign"; Align-GVGD: "Class C0". The cysteine amino acid residue is found in multiple mammalian species, which suggests that this missense change does not adversely affect protein function. In summary, the available evidence is currently insufficient to determine the role of this variant in disease. Therefore, it has been classified as a Variant of Uncertain Significance.

NM_022725.4(FANCF):c.796C>T (p.Arg266Cys)

Gene: FANCF (FA complementation group F; minus strand). Cytogenetic location: 11p14.3.
Variant type: single nucleotide variant.
Coding change: c.796C>T on transcript NM_022725.4 (MANE Select); coding-DNA position 796, C replaced by T.
Protein change: p.Arg266Cys; replaces arginine 266 with cysteine.
Molecular consequence: missense variant.
Genome position (GRCh38, 1-based): chr11:22,625,015, G>A on the plus strand (C>T on the coding strand, the complement: FANCF is on the minus strand). VCF-style: chr11-22625015-G-A. GRCh37 (hg19) VCF-style: chr11-22646561-G-A.
Other names: short protein forms R266C.
Identifiers: ClinVar variation 957563 (VCV000957563.7), dbSNP rs145666363, ClinGen allele CA5924259.